The following is an entry in ClinVar:

NM_032638.5(GATA2):c.1156C>G (p.Leu386Val)

Gene: GATA2 (GATA binding protein 2; minus strand). Cytogenetic location: 3q21.3.
Variant type: single nucleotide variant.
Coding change: c.1156C>G on transcript NM_032638.5 (MANE Select); coding-DNA position 1156, C replaced by G.
Protein change: p.Leu386Val; replaces leucine 386 with valine.
Molecular consequence: missense variant.
Genome position (GRCh38, 1-based): chr3:128,481,306, G>C on the plus strand (C>G on the coding strand, the complement: GATA2 is on the minus strand). VCF-style: chr3-128481306-G-C. GRCh37 (hg19) VCF-style: chr3-128200149-G-C.
Other names: c.1156C>G, p.Leu386Val (NM_001145661.2); c.1114C>G, p.Leu372Val (NM_001145662.1); short protein forms L372V, L386V.
Identifiers: ClinVar variation 3853032 (VCV003853032.1).

ClinVar aggregate classification (germline): Uncertain significance (1 of 4 stars; one submission).

Conditions:
Inborn genetic diseases. Identifiers: MedGen C0950123, MeSH D030342.

Submission:

Ambry Genetics
Classification: Uncertain significance for Inborn genetic diseases. Last evaluated: 2025-02-19. Review status: criteria provided, single submitter. Criteria: Ambry Variant Classification Scheme 2023. Collection method: clinical testing. Allele origin: germline.
Comment: The p.L386V variant (also known as c.1156C>G), located in coding exon 5 of the GATA2 gene, results from a C to G substitution at nucleotide position 1156. The leucine at codon 386 is replaced by valine, an amino acid with highly similar properties. This amino acid position is conserved. In addition, this alteration is predicted to be deleterious by in silico analysis. Based on the available evidence, the clinical significance of this variant remains unclear.